The following is an entry in ClinVar:

NM_024529.5(CDC73):c.371-5T>A

Gene: CDC73 (cell division cycle 73; plus strand). Cytogenetic location: 1q31.2.
Variant type: single nucleotide variant.
Coding change: c.371-5T>A on transcript NM_024529.5 (MANE Select); 5 bases into the intron before coding-DNA position 371, T replaced by A.
Molecular consequence: intron variant.
Genome position (GRCh38, 1-based): chr1:193,135,532, T>A. VCF-style: chr1-193135532-T-A. GRCh37 (hg19) VCF-style: chr1-193104662-T-A.
Other names: c.371-5T>A (NM_024529.4).
Identifiers: ClinVar variation 3664472 (VCV003664472.3).

ClinVar aggregate classification (germline): Conflicting classifications of pathogenicity. Review status: criteria provided, conflicting classifications (1 of 4 stars). 2 submissions from 2 submitters: Uncertain significance (1); Likely benign (1). Last evaluated 2026-09-10.

Conditions:
Parathyroid carcinoma (PRTC). Also called: CDC73-Related Parathyroid Carcinoma; Parathyroid gland carcinoma. Identifiers: Orphanet 143, MedGen C0687150, MONDO:0012004, OMIM 608266, HP:0006780.
Hereditary cancer-predisposing syndrome. Also called: Tumor predisposition; Hereditary neoplastic syndrome; Hereditary Cancer Syndrome; Neoplastic Syndromes, Hereditary. Identifiers: Orphanet 140162, MedGen C0027672, MeSH D009386, MONDO:0015356.

Submissions (2):

Ambry Genetics
Classification: Uncertain significance for Hereditary cancer-predisposing syndrome. Last evaluated: 2026-09-10. Review status: criteria provided, single submitter. Criteria: Ambry Variant Classification Scheme 2023. Collection method: clinical testing. Allele origin: germline.
Comment: The c.371-5T>A intronic variant results from a T to A substitution 5 nucleotides upstream from coding exon 5 in the CDC73 gene. This nucleotide position is well conserved in available vertebrate species. In silico splice site analysis predicts that this alteration will not have any significant effect on splicing. Based on the available evidence, the clinical significance of this variant remains unclear.

Labcorp Genetics (formerly Invitae), Labcorp
Classification: Likely benign for Parathyroid carcinoma. Last evaluated: 2024-09-04. Review status: criteria provided, single submitter. Criteria: Invitae Variant Classification Sherloc (09022015). Collection method: clinical testing. Allele origin: germline.